The following is an entry in ClinVar:

ClinVar aggregate classification (germline): Uncertain significance. Review status: criteria provided, multiple submitters, no conflicts (2 of 4 stars). 4 submissions from 4 submitters: Uncertain significance (4). Last evaluated 2025-05-30.

Conditions:
Hereditary cancer-predisposing syndrome. Also called: Neoplastic Syndromes, Hereditary; Tumor predisposition; Hereditary Cancer Syndrome; Hereditary neoplastic syndrome. Identifiers: Orphanet 140162, MedGen C0027672, MeSH D009386, MONDO:0015356.
Hereditary breast ovarian cancer syndrome. Also called: Hereditary breast and ovarian cancer syndrome; BRCA1- and BRCA2-Associated Hereditary Breast and Ovarian Cancer; Breast and ovarian cancer; Hereditary breast and/or ovarian cancer syndrome; Hereditary breast and ovarian cancer; Hereditary breast and ovarian cancer syndrome (HBOC). Identifiers: Orphanet 145, MedGen C0677776, MeSH D061325, MONDO:0003582. Disease mechanism: loss of function.

Allele frequency attached by ClinVar (database versions not stated): gnomAD exomes below 0.00001; ExAC 0.00001.
gnomAD v4.1: 1 of 1,613,932 alleles (0.000062%); highest among the groups gnomAD compares: Non-Finnish European, 0.000085%; no homozygotes.

Submissions (4):

Color Diagnostics, LLC DBA Color Health
Classification: Uncertain significance for Hereditary cancer-predisposing syndrome. Last evaluated: 2025-05-30. Review status: criteria provided, single submitter. Criteria: ACMG Guidelines, 2015. Collection method: clinical testing. Allele origin: germline.
Comment: This missense variant replaces leucine with valine at codon 184 of the BRCA2 protein. Computational prediction suggests that this variant may not impact protein structure and function. To our knowledge, functional studies have not been reported for this variant. This variant has not been reported in individuals affected with BRCA2-related disorders in the literature. This variant has been identified in 1/251408 chromosomes in the general population by the Genome Aggregation Database (gnomAD). The available evidence is insufficient to determine the role of this variant in disease conclusively. Therefore, this variant is classified as a Variant of Uncertain Significance.

Labcorp Genetics (formerly Invitae), Labcorp
Classification: Uncertain significance for Hereditary breast ovarian cancer syndrome. Last evaluated: 2022-11-12. Review status: criteria provided, single submitter. Criteria: Invitae Variant Classification Sherloc (09022015). Collection method: clinical testing. Allele origin: germline.
Comment: This sequence change replaces leucine, which is neutral and non-polar, with valine, which is neutral and non-polar, at codon 184 of the BRCA2 protein (p.Leu184Val). This variant is present in population databases (rs749053313, gnomAD 0.0009%). This variant has not been reported in the literature in individuals affected with BRCA2-related conditions. ClinVar contains an entry for this variant (Variation ID: 233969). Advanced modeling of protein sequence and biophysical properties (such as structural, functional, and spatial information, amino acid conservation, physicochemical variation, residue mobility, and thermodynamic stability) performed at Invitae indicates that this missense variant is not expected to disrupt BRCA2 protein function. In summary, the available evidence is currently insufficient to determine the role of this variant in disease. Therefore, it has been classified as a Variant of Uncertain Significance.

GeneDx
Classification: Uncertain significance. Last evaluated: 2015-12-24. Review status: criteria provided, single submitter. Criteria: GeneDx Variant Classification (06012015). Collection method: clinical testing. Allele origin: germline. Affected: yes.
Comment: This variant is denoted BRCA2 c.550C>G at the cDNA level, p.Leu184Val (L184V) at the protein level, and results in the change of a Leucine to a Valine (CTA>GTA). Using alternate nomenclature, this variant would be defined as BRCA2 778C>G. This variant has not, to our knowledge, been published in the literature as pathogenic or benign. BRCA2 Leu184Val was not observed in approximately 6,500 individuals of European and African American ancestry in the NHLBI Exome Sequencing Project, suggesting it is not a common benign variant in these populations. Since Leucine and Valine share similar properties, this is considered a conservative amino acid substitution. BRCA2 Leu184Val occurs at a position that is conserved across species and is not located in a known functional domain (UniProt). In silico analyses are inconsistent regarding the effect this variant may have on protein structure and function. Based on currently available evidence, it is unclear whether BRCA2 Leu184Val is a pathogenic or benign variant. We consider it to be a variant of uncertain significance.

Ambry Genetics
Classification: Uncertain significance for Hereditary cancer-predisposing syndrome. Last evaluated: 2015-09-22. Review status: criteria provided, single submitter. Criteria: Ambry Variant Classification Scheme 2023. Collection method: clinical testing. Allele origin: germline.
Comment: The p.L184V variant (also known as c.550C>G), located in coding exon 6 of the BRCA2 gene, results from a C to G substitution at nucleotide position 550. The leucine at codon 184 is replaced by valine, an amino acid with highly similar properties. This variant was not reported in population based cohorts in the following databases: Database of Single Nucleotide Polymorphisms (dbSNP), NHLBI Exome Sequencing Project (ESP), and 1000 Genomes Project. In the ESP, this variant was not observed in 6503 samples (13006 alleles) with coverage at this position. To date, this alteration has been detected with an allele frequency of approximately 0.001% (greater than 150000 alleles tested) in our clinical cohort. This amino acid position is highly conserved in available vertebrate species. In addition, this alteration is predicted to be tolerated by in silico analysis. Since supporting evidence is limited at this time, the clinical significance of p.L184V remains unclear.

NM_000059.4(BRCA2):c.550C>G (p.Leu184Val)

Gene: BRCA2 (BRCA2 DNA repair associated; plus strand). Cytogenetic location: 13q13.1.
Variant type: single nucleotide variant.
Coding change: c.550C>G on transcript NM_000059.4 (MANE Select); coding-DNA position 550, C replaced by G.
Protein change: p.Leu184Val; replaces leucine 184 with valine.
Molecular consequence: missense variant.
Genome position (GRCh38, 1-based): chr13:32,326,532, C>G. VCF-style: chr13-32326532-C-G. GRCh37 (hg19) VCF-style: chr13-32900669-C-G.
Other names: short protein forms L184V.
Identifiers: ClinVar variation 233969 (VCV000233969.15), dbSNP rs749053313, ClinGen allele CA6940398.